The following is an entry in ClinVar:

NM_003000.3(SDHB):c.47C>G (p.Thr16Arg)

Gene: SDHB (succinate dehydrogenase complex iron sulfur subunit B; minus strand). Cytogenetic location: 1p36.13.
Variant type: single nucleotide variant.
Coding change: c.47C>G on transcript NM_003000.3 (MANE Select); coding-DNA position 47, C replaced by G.
Protein change: p.Thr16Arg; replaces threonine 16 with arginine.
Molecular consequence: missense variant.
Genome position (GRCh38, 1-based): chr1:17,053,973, G>C on the plus strand (C>G on the coding strand, the complement: SDHB is on the minus strand). VCF-style: chr1-17053973-G-C. GRCh37 (hg19) VCF-style: chr1-17380468-G-C.
Other names: short protein forms T16R.
Identifiers: ClinVar variation 293816 (VCV000293816.23), dbSNP rs775350144, ClinGen allele CA089631.

ClinVar aggregate classification (germline): Uncertain significance. Review status: criteria provided, multiple submitters, no conflicts (2 of 4 stars). 6 submissions from 6 submitters: Uncertain significance (6). Last evaluated 2026-01-26.

Conditions:
Pheochromocytoma/paraganglioma syndrome 4. Also called: Paragangliomas 4; PARAGANGLIOMA, FAMILIAL MALIGNANT; PARAGANGLIOMAS, HEREDITARY EXTRAADRENAL; CAROTID BODY TUMORS AND MULTIPLE EXTRAADRENAL PHEOCHROMOCYTOMAS; PHEOCHROMOCYTOMA, FAMILIAL EXTRAADRENAL; SDHB-Related Hereditary Paraganglioma-Pheochromocytoma Syndrome (Paragangliomas 4). Identifiers: Orphanet 29072, MedGen C1861848, MONDO:0007273, OMIM 115310.
Gastrointestinal stromal tumor. Also called: Gastrointestinal stroma tumor; Gastrointestinal stromal tumor, somatic. Identifiers: Orphanet 44890, MedGen C0238198, MeSH D046152, MONDO:0011719, OMIM 606764, HP:0100723.
Pheochromocytoma. Also called: MAX-Related Hereditary Paraganglioma-Pheochromocytoma Syndrome. Identifiers: Orphanet 29072, MedGen C0031511, MONDO:0008233, OMIM 171300, HP:0002666.
SDHB-related disorder. Also called: SDHB-related condition; SDHB-related disorders. Identifiers: MedGen CN239418.
Hereditary cancer-predisposing syndrome. Also called: Hereditary Cancer Syndrome; Neoplastic Syndromes, Hereditary; Tumor predisposition; Hereditary neoplastic syndrome. Identifiers: Orphanet 140162, MedGen C0027672, MeSH D009386, MONDO:0015356.

Allele frequency attached by ClinVar (database versions not stated): gnomAD 0.00001; gnomAD exomes 0.00001; ExAC 0.00002; TOPMed 0.00003.
gnomAD v4.1: 12 of 1,613,088 alleles (0.00074%); highest among the groups gnomAD compares: African/African-American, 0.0013%; no homozygotes.

Submissions (6):

Labcorp Genetics (formerly Invitae), Labcorp
Classification: Uncertain significance for Gastrointestinal stromal tumor; Pheochromocytoma/paraganglioma syndrome 4; Pheochromocytoma. Last evaluated: 2026-01-26. Review status: criteria provided, single submitter. Criteria: Invitae Variant Classification Sherloc (09022015). Collection method: clinical testing. Allele origin: germline.
Comment: This sequence change replaces threonine, which is neutral and polar, with arginine, which is basic and polar, at codon 16 of the SDHB protein (p.Thr16Arg). This variant is present in population databases (rs775350144, gnomAD 0.004%). This variant has not been reported in the literature in individuals affected with SDHB-related conditions. ClinVar contains an entry for this variant (Variation ID: 293816). Invitae Evidence Modeling of protein sequence and biophysical properties (such as structural, functional, and spatial information, amino acid conservation, physicochemical variation, residue mobility, and thermodynamic stability) indicates that this missense variant is not expected to disrupt SDHB protein function with a negative predictive value of 95%. In summary, the available evidence is currently insufficient to determine the role of this variant in disease. Therefore, it has been classified as a Variant of Uncertain Significance.

PreventionGenetics, part of Exact Sciences
Classification: Uncertain significance for SDHB-related condition. Last evaluated: 2025-07-14. Review status: criteria provided, single submitter. Criteria: ACMG Guidelines, 2015. Collection method: clinical testing. Allele origin: germline.
Comment: The SDHB c.47C>G variant is predicted to result in the amino acid substitution p.Thr16Arg. To our knowledge, this variant has not been reported in the literature. This variant is reported in 0.0065% of alleles in individuals of African descent in gnomAD. This variant is interpreted as uncertain in ClinVar. At this time, the clinical significance of this variant is uncertain due to the absence of conclusive functional and genetic evidence.

Center for Genomic Medicine, Rigshospitalet, Copenhagen University Hospital
Classification: Uncertain significance. Last evaluated: 2025-03-04. Review status: criteria provided, single submitter. Criteria: ACMG Guidelines, 2015. Collection method: clinical testing. Allele origin: germline.

Ambry Genetics
Classification: Uncertain significance for Hereditary cancer-predisposing syndrome. Last evaluated: 2024-04-25. Review status: criteria provided, single submitter. Criteria: Ambry Variant Classification Scheme 2023. Collection method: clinical testing. Allele origin: germline.
Comment: The p.T16R variant (also known as c.47C>G), located in coding exon 1 of the SDHB gene, results from a C to G substitution at nucleotide position 47. The threonine at codon 16 is replaced by arginine, an amino acid with similar properties. This amino acid position is not well conserved in available vertebrate species. In addition, the in silico prediction for this alteration is inconclusive. Since supporting evidence is limited at this time, the clinical significance of this alteration remains unclear.

Baylor Genetics
Classification: Uncertain significance for Gastrointestinal stromal tumor. Last evaluated: 2023-05-26. Review status: criteria provided, single submitter. Criteria: ACMG Guidelines, 2015. Collection method: clinical testing. Allele origin: unknown.

GeneDx
Classification: Uncertain significance. Last evaluated: 2023-01-24. Review status: criteria provided, single submitter. Criteria: GeneDx Variant Classification Process June 2021. Collection method: clinical testing. Allele origin: germline. Affected: yes.
Comment: Not observed at significant frequency in large population cohorts (gnomAD); In silico analysis supports that this missense variant does not alter protein structure/function; Has not been previously published as pathogenic or benign to our knowledge